The following is an entry in ClinVar:

NM_000059.4(BRCA2):c.6017del (p.Ser2006fs)

Gene: BRCA2 (BRCA2 DNA repair associated; plus strand). Cytogenetic location: 13q13.1.
Variant type: Deletion.
Coding change: c.6017del on transcript NM_000059.4 (MANE Select); coding-DNA position 6017, one base deleted (G; older notation c.6017delG).
Protein change: p.Ser2006fs; shifts the reading frame from serine 2006.
Molecular consequence: frameshift variant.
Genome position (GRCh38, 1-based): chr13:32,340,372, G deleted. VCF-style (leftmost placement, unchanged base first): chr13-32340371-AG-A. GRCh37 (hg19) VCF-style: chr13-32914508-AG-A.
Other names: c.6017delG, p.Ser2006Ilefs (NM_001406719.1, NM_001406720.1); short protein forms S2006fs.
Identifiers: ClinVar variation 2114081 (VCV002114081.4), dbSNP rs2548532381, ClinGen allele CA2580087784.
Genomic context (GRCh38, chr13:32,340,371, plus strand): 5'-GTCCAGGTATCAGATGCTTCATTACAAAACGCAAGACAAGTGTTTTCTGAAATAGAAGAT[AG>A]TACCAAGCAAGTCTTTTCCAAAGTATTGTTTAAAAGTAACGAACATTCAGACCAGCTCAC-3'

ClinVar aggregate classification (germline): Pathogenic (1 of 4 stars; one submission).

Conditions:
Hereditary breast ovarian cancer syndrome. Also called: Hereditary breast and ovarian cancer syndrome; Hereditary breast and ovarian cancer; Hereditary breast and ovarian cancer syndrome (HBOC); Hereditary breast and/or ovarian cancer syndrome; Breast and ovarian cancer; BRCA1- and BRCA2-Associated Hereditary Breast and Ovarian Cancer. Identifiers: Orphanet 145, MedGen C0677776, MeSH D061325, MONDO:0003582. Disease mechanism: loss of function.

Submission:

Labcorp Genetics (formerly Invitae), Labcorp
Classification: Pathogenic for Hereditary breast ovarian cancer syndrome. Last evaluated: 2022-03-19. Review status: criteria provided, single submitter. Criteria: Invitae Variant Classification Sherloc (09022015). Collection method: clinical testing. Allele origin: germline.
Comment: For these reasons, this variant has been classified as Pathogenic. This variant has not been reported in the literature in individuals affected with BRCA2-related conditions. This variant is not present in population databases (gnomAD no frequency). This sequence change creates a premature translational stop signal (p.Ser2006Ilefs*34) in the BRCA2 gene. It is expected to result in an absent or disrupted protein product. Loss-of-function variants in BRCA2 are known to be pathogenic (PMID: 20104584).

Literature cited by the submitters: PubMed 20104584.